The following is an entry in ClinVar:

NM_006516.4(SLC2A1):c.989G>A (p.Arg330Gln)

Gene: SLC2A1 (solute carrier family 2 member 1; minus strand). Cytogenetic location: 1p34.2.
Variant type: single nucleotide variant.
Coding change: c.989G>A on transcript NM_006516.4 (MANE Select); coding-DNA position 989, G replaced by A.
Protein change: p.Arg330Gln; replaces arginine 330 with glutamine.
Molecular consequence: missense variant.
Genome position (GRCh38, 1-based): chr1:42,929,017, C>T on the plus strand (G>A on the coding strand, the complement: SLC2A1 is on the minus strand). VCF-style: chr1-42929017-C-T. GRCh37 (hg19) VCF-style: chr1-43394688-C-T.
Other names: c.989G>A (NM_006516.2); short protein forms R330Q.
Identifiers: ClinVar variation 3618512 (VCV003618512.3).

ClinVar aggregate classification (germline): Uncertain significance. Review status: criteria provided, multiple submitters, no conflicts (2 of 4 stars). 2 submissions from 2 submitters: Uncertain significance (2). Last evaluated 2024-10-04.

Conditions:
GLUT1 deficiency syndrome 1, autosomal recessive. Identifiers: MedGen C3149117.

Submissions (2):

Labcorp Genetics (formerly Invitae), Labcorp
Classification: Uncertain significance for GLUT1 deficiency syndrome 1, autosomal recessive. Last evaluated: 2024-10-04. Review status: criteria provided, single submitter. Criteria: Invitae Variant Classification Sherloc (09022015). Collection method: clinical testing. Allele origin: germline.
Comment: This sequence change replaces arginine, which is basic and polar, with glutamine, which is neutral and polar, at codon 330 of the SLC2A1 protein (p.Arg330Gln). This variant is present in population databases (rs753278619, gnomAD 0.0009%). This variant has not been reported in the literature in individuals affected with SLC2A1-related conditions. Invitae Evidence Modeling of protein sequence and biophysical properties (such as structural, functional, and spatial information, amino acid conservation, physicochemical variation, residue mobility, and thermodynamic stability) indicates that this missense variant is expected to disrupt SLC2A1 protein function with a positive predictive value of 95%. In summary, the available evidence is currently insufficient to determine the role of this variant in disease. Therefore, it has been classified as a Variant of Uncertain Significance.

GeneDx
Classification: Uncertain significance. Last evaluated: 2024-09-25. Review status: criteria provided, single submitter. Criteria: GeneDx Variant Classification Process June 2021. Collection method: clinical testing. Allele origin: germline. Affected: yes.
Comment: Not observed at significant frequency in large population cohorts (gnomAD); In silico analysis supports that this missense variant has a deleterious effect on protein structure/function; Has not been previously published as pathogenic or benign to our knowledge